The following is an entry in ClinVar:

NM_001318510.2(ACSL4):c.308C>T (p.Ala103Val)

Gene: ACSL4 (acyl-CoA synthetase long chain family member 4; minus strand). Cytogenetic location: Xq23.
Variant type: single nucleotide variant.
Coding change: c.308C>T on transcript NM_001318510.2 (MANE Select); coding-DNA position 308, C replaced by T.
Protein change: p.Ala103Val; replaces alanine 103 with valine.
Molecular consequence: missense variant.
Genome position (GRCh38, 1-based): chrX:109,682,817, G>A on the plus strand (C>T on the coding strand, the complement: ACSL4 is on the minus strand). VCF-style: chrX-109682817-G-A. GRCh37 (hg19) VCF-style: chrX-108926046-G-A.
Other names: c.431C>T, p.Ala144Val (NM_001318509.2, NM_022977.3); c.308C>T, p.Ala103Val (NM_004458.3); short protein forms A103V, A144V.
Identifiers: ClinVar variation 3383621 (VCV003383621.1).

ClinVar aggregate classification (germline): Uncertain significance (1 of 4 stars; one submission).

gnomAD v4.1: 4 of 1,209,606 alleles (0.00033%); highest among the groups gnomAD compares: Non-Finnish European, 0.00034%; no homozygotes.

Submission:

GeneDx
Classification: Uncertain significance. Last evaluated: 2024-05-28. Review status: criteria provided, single submitter. Criteria: GeneDx Variant Classification Process June 2021. Collection method: clinical testing. Allele origin: germline. Affected: yes.
Comment: Not observed at significant frequency in large population cohorts (gnomAD); In silico analysis indicates that this missense variant does not alter protein structure/function; Has not been previously published as pathogenic or benign to our knowledge